The following is an entry in ClinVar:

ClinVar aggregate classification (germline): Conflicting classifications of pathogenicity. Review status: criteria provided, conflicting classifications (1 of 4 stars). 2 submissions from 2 submitters: Uncertain significance (1); Likely benign (1). Last evaluated 2019-06-12.

Conditions:
Intellectual disability. Also called: Intellectual developmental disorder; Intellectual functioning disability; intellectual disabilities. Identifiers: MedGen C3714756, MeSH D008607, MONDO:0001071, HP:0001249.

Allele frequency attached by ClinVar (database versions not stated): gnomAD exomes below 0.00001; TOPMed below 0.00001.
gnomAD v4.1: 4 of 1,613,914 alleles (0.00025%); highest among the groups gnomAD compares: Non-Finnish European, 0.00034%; no homozygotes.

Submissions (2):

GeneDx
Classification: Uncertain significance. Last evaluated: 2019-06-12. Review status: criteria provided, single submitter. Criteria: GeneDx Variant Classification Process June 2021. Collection method: clinical testing. Allele origin: germline. Affected: yes.
Comment: Not observed in large population cohorts (Lek et al., 2016); In silico analysis, which includes protein predictors and evolutionary conservation, supports that this variant does not alter protein structure/function; Has not been previously published as pathogenic or benign to our knowledge

Labcorp Genetics (formerly Invitae), Labcorp
Classification: Likely benign for Intellectual disability. Last evaluated: 2019-04-03. Review status: criteria provided, single submitter. Criteria: Invitae Variant Classification Sherloc (09022015). Collection method: clinical testing. Allele origin: germline.

NM_001371727.1(GABRB2):c.442G>A (p.Val148Ile)

Gene: GABRB2 (gamma-aminobutyric acid type A receptor subunit beta2; minus strand). Cytogenetic location: 5q34.
Variant type: single nucleotide variant.
Coding change: c.442G>A on transcript NM_001371727.1 (MANE Select); coding-DNA position 442, G replaced by A.
Protein change: p.Val148Ile; replaces valine 148 with isoleucine.
Molecular consequence: missense variant.
Genome position (GRCh38, 1-based): chr5:161,459,640, C>T on the plus strand (G>A on the coding strand, the complement: GABRB2 is on the minus strand). VCF-style: chr5-161459640-C-T. GRCh37 (hg19) VCF-style: chr5-160886646-C-T.
Other names: c.442G>A, p.Val148Ile (NM_000813.3, NM_021911.3); short protein forms V148I.
Identifiers: ClinVar variation 833738 (VCV000833738.12), dbSNP rs1581004188, ClinGen allele CA362173725.